The following is an entry in ClinVar:

ClinVar aggregate classification (germline): Likely benign. Review status: criteria provided, multiple submitters, no conflicts (2 of 4 stars). 2 submissions from 2 submitters: Likely benign (2). Last evaluated 2026-05-01.

Allele frequency attached by ClinVar (database versions not stated): 1000 Genomes Project 30x 0.00062; ExAC 0.00099; gnomAD exomes 0.00210; gnomAD 0.00258.
gnomAD v4.1: 3,376 of 1,582,232 alleles (0.21%); highest among the groups gnomAD compares: African/African-American, 0.42%; 11 homozygotes.

Submissions (2):

CeGaT Center for Human Genetics Tuebingen
Classification: Likely benign. Last evaluated: 2026-05-01. Review status: criteria provided, single submitter. Criteria: CeGaT Center For Human Genetics Tuebingen Variant Classification Criteria Version 2. Collection method: clinical testing. Allele origin: germline. Affected: yes. Observed: 5 variant alleles.
Comment: MUC5B: BP4, BS1

Ambry Genetics
Classification: Likely benign. Last evaluated: 2021-08-17. Review status: criteria provided, single submitter. Criteria: Ambry Variant Classification Scheme 2023. Collection method: clinical testing. Allele origin: germline.

NM_002458.3(MUC5B):c.12049T>C (p.Ser4017Pro)

Genes: MUC5B (mucin 5B, oligomeric mucus/gel-forming; plus strand), MUC5B-AS1 (MUC5B antisense RNA 1; minus strand). Cytogenetic location: 11p15.5.
Variant type: single nucleotide variant.
Coding change: c.12049T>C on transcript NM_002458.3 (MANE Select); coding-DNA position 12049, T replaced by C.
Protein change: p.Ser4017Pro; replaces serine 4017 with proline.
Molecular consequence: missense variant.
Genome position (GRCh38, 1-based): chr11:1,248,929, T>C. VCF-style: chr11-1248929-T-C. GRCh37 (hg19) VCF-style: chr11-1270159-T-C.
Other names: short protein forms S4017P.
Identifiers: ClinVar variation 2401074 (VCV002401074.20), dbSNP rs200544884, ClinGen allele CA5807850.